The following is an entry in ClinVar:

ClinVar aggregate classification (germline): Uncertain significance (1 of 4 stars; one submission).

Conditions:
Rubinstein-Taybi syndrome (RSTS). Identifiers: Orphanet 783, MedGen C0035934, MONDO:0019188.

Submission:

Labcorp Genetics (formerly Invitae), Labcorp
Classification: Uncertain significance for Rubinstein-Taybi syndrome. Last evaluated: 2022-08-23. Review status: criteria provided, single submitter. Criteria: Invitae Variant Classification Sherloc (09022015). Collection method: clinical testing. Allele origin: germline.
Comment: This variant has not been reported in the literature in individuals affected with CREBBP-related conditions. In summary, the available evidence is currently insufficient to determine the role of this variant in disease. Therefore, it has been classified as a Variant of Uncertain Significance. Advanced modeling of protein sequence and biophysical properties (such as structural, functional, and spatial information, amino acid conservation, physicochemical variation, residue mobility, and thermodynamic stability) performed at Invitae indicates that this missense variant is not expected to disrupt CREBBP protein function. This variant is not present in population databases (gnomAD no frequency). This sequence change replaces glutamic acid, which is acidic and polar, with alanine, which is neutral and non-polar, at codon 1062 of the CREBBP protein (p.Glu1062Ala).

NM_004380.3(CREBBP):c.3185A>C (p.Glu1062Ala)

Gene: CREBBP (CREB binding lysine acetyltransferase; minus strand). Cytogenetic location: 16p13.3.
Variant type: single nucleotide variant.
Coding change: c.3185A>C on transcript NM_004380.3 (MANE Select); coding-DNA position 3185, A replaced by C.
Protein change: p.Glu1062Ala; replaces glutamic acid 1062 with alanine.
Molecular consequence: missense variant.
Genome position (GRCh38, 1-based): chr16:3,767,785, T>G on the plus strand (A>C on the coding strand, the complement: CREBBP is on the minus strand). VCF-style: chr16-3767785-T-G. GRCh37 (hg19) VCF-style: chr16-3817786-T-G.
Other names: c.3071A>C, p.Glu1024Ala (NM_001079846.1); short protein forms E1062A, E1024A.
Identifiers: ClinVar variation 2104988 (VCV002104988.4), dbSNP rs2548407266, ClinGen allele CA394570607.